The following is an entry in ClinVar:

ClinVar aggregate classification (germline): Uncertain significance. Review status: criteria provided, multiple submitters, no conflicts (2 of 4 stars). 2 submissions from 2 submitters: Uncertain significance (2). Last evaluated 2025-10-05.

Conditions:
Cardiovascular phenotype. Identifiers: MedGen CN230736.
RASopathy. Also called: rasopathies; Noonan spectrum disorder. Identifiers: Orphanet 536391, MedGen C5555857, MONDO:0021060.

gnomAD v4.1: 1 of 1,607,542 alleles (0.000062%); highest among the groups gnomAD compares: African/African-American, 0.0013%; no homozygotes.

Submissions (2):

Ambry Genetics
Classification: Uncertain significance for Cardiovascular phenotype. Last evaluated: 2025-10-05. Review status: criteria provided, single submitter. Criteria: Ambry Variant Classification Scheme 2023. Collection method: clinical testing. Allele origin: germline.
Comment: The p.P269Q variant (also known as c.806C>A), located in coding exon 7 of the MAP2K2 gene, results from a C to A substitution at nucleotide position 806. The proline at codon 269 is replaced by glutamine, an amino acid with similar properties. This amino acid position is conserved. In addition, the in silico prediction for this alteration is inconclusive. Based on the available evidence, the clinical significance of this variant remains unclear.

Labcorp Genetics (formerly Invitae), Labcorp
Classification: Uncertain significance for RASopathy. Last evaluated: 2024-02-01. Review status: criteria provided, single submitter. Criteria: Invitae Variant Classification Sherloc (09022015). Collection method: clinical testing. Allele origin: germline.
Comment: This sequence change replaces proline, which is neutral and non-polar, with glutamine, which is neutral and polar, at codon 269 of the MAP2K2 protein (p.Pro269Gln). This variant is not present in population databases (gnomAD no frequency). This variant has not been reported in the literature in individuals affected with MAP2K2-related conditions. Advanced modeling of protein sequence and biophysical properties (such as structural, functional, and spatial information, amino acid conservation, physicochemical variation, residue mobility, and thermodynamic stability) has been performed at Invitae for this missense variant, however the output from this modeling did not meet the statistical confidence thresholds required to predict the impact of this variant on MAP2K2 protein function. In summary, the available evidence is currently insufficient to determine the role of this variant in disease. Therefore, it has been classified as a Variant of Uncertain Significance.

NM_030662.4(MAP2K2):c.806C>A (p.Pro269Gln)

Gene: MAP2K2 (mitogen-activated protein kinase kinase 2; minus strand). Cytogenetic location: 19p13.3.
Variant type: single nucleotide variant.
Coding change: c.806C>A on transcript NM_030662.4 (MANE Select); coding-DNA position 806, C replaced by A.
Protein change: p.Pro269Gln; replaces proline 269 with glutamine.
Molecular consequence: missense variant.
Genome position (GRCh38, 1-based): chr19:4,099,314, G>T on the plus strand (C>A on the coding strand, the complement: MAP2K2 is on the minus strand). VCF-style: chr19-4099314-G-T. GRCh37 (hg19) VCF-style: chr19-4099312-G-T.
Other names: short protein forms P269Q.
Identifiers: ClinVar variation 2777650 (VCV002777650.4), dbSNP rs368064728, ClinGen allele CA403386473.
Genomic context (GRCh38, chr19:4,099,314, plus strand): 5'-CCTTCTTCCCCGTCGACCACGGGCCGGCCAAAGATGGCCTCCAGCTCTTTGGCGTCGGGC[G>T]GGGGGATGGGGTACCTTCCGACGGCCAGCTCCACCAGGGACAGGCCCATGCTCCAGATGT-3'
Protein context (NP_109587.1, residues 259-279): ELAVGRYPIP[Pro269Gln]PDAKELEAIF